The following is an entry in ClinVar:

ClinVar aggregate classification (germline): Conflicting classifications of pathogenicity. Review status: criteria provided, conflicting classifications (1 of 4 stars). 3 submissions from 3 submitters: Uncertain significance (2); Likely benign (1). Last evaluated 2026-04-16.

Conditions:
SCN10A-related disorder. Also called: SCN10A-related condition.
Brugada syndrome. Also called: Sudden unexpected nocturnal death syndrome; Sudden Unexplained Death Syndrome; Sudden Unexplained Nocturnal Death Syndrome (SUNDS); Sudden unexplained nocturnal death syndrome. Identifiers: Orphanet 130, MedGen C1142166, MONDO:0015263.
Cardiovascular phenotype. Identifiers: MedGen CN230736.

gnomAD v4.1: 80 of 1,613,974 alleles (0.005%); highest among the groups gnomAD compares: Non-Finnish European, 0.0067%; no homozygotes.

Submissions (3):

PreventionGenetics, part of Exact Sciences
Classification: Uncertain significance for SCN10A-related condition. Last evaluated: 2026-04-16. Review status: criteria provided, single submitter. Criteria: ACMG Guidelines, 2015. Collection method: clinical testing. Allele origin: germline.
Comment: The SCN10A c.80A>G variant is predicted to result in the amino acid substitution p.Gln27Arg. To our knowledge, this variant has not been reported in the literature. This variant is reported in 0.0054% of alleles in individuals of European (Non-Finnish) descent in gnomAD. Although we suspect that this variant may be benign, at this time, the clinical significance of this variant is uncertain due to the absence of conclusive functional and genetic evidence.

Labcorp Genetics (formerly Invitae), Labcorp
Classification: Uncertain significance for Brugada syndrome. Last evaluated: 2025-04-17. Review status: criteria provided, single submitter. Criteria: Invitae Variant Classification Sherloc (09022015). Collection method: clinical testing. Allele origin: germline.
Comment: This sequence change replaces glutamine, which is neutral and polar, with arginine, which is basic and polar, at codon 27 of the SCN10A protein (p.Gln27Arg). This variant is present in population databases (rs367571651, gnomAD 0.008%). This variant has not been reported in the literature in individuals affected with SCN10A-related conditions. ClinVar contains an entry for this variant (Variation ID: 3438081). Invitae Evidence Modeling of protein sequence and biophysical properties (such as structural, functional, and spatial information, amino acid conservation, physicochemical variation, residue mobility, and thermodynamic stability) indicates that this missense variant is not expected to disrupt SCN10A protein function with a negative predictive value of 95%. In summary, the available evidence is currently insufficient to determine the role of this variant in disease. Therefore, it has been classified as a Variant of Uncertain Significance.

Ambry Genetics
Classification: Likely benign for Cardiovascular phenotype. Last evaluated: 2024-09-22. Review status: criteria provided, single submitter. Criteria: Ambry Variant Classification Scheme 2023. Collection method: clinical testing. Allele origin: germline.

NM_006514.4(SCN10A):c.80A>G (p.Gln27Arg)

Gene: SCN10A (sodium voltage-gated channel alpha subunit 10; minus strand). Cytogenetic location: 3p22.2.
Variant type: single nucleotide variant.
Coding change: c.80A>G on transcript NM_006514.4 (MANE Select); coding-DNA position 80, A replaced by G.
Protein change: p.Gln27Arg; replaces glutamine 27 with arginine.
Molecular consequence: missense variant.
Genome position (GRCh38, 1-based): chr3:38,793,931, T>C on the plus strand (A>G on the coding strand, the complement: SCN10A is on the minus strand). VCF-style: chr3-38793931-T-C. GRCh37 (hg19) VCF-style: chr3-38835422-T-C.
Other names: c.80A>G (NM_006514.3); c.80A>G, p.Gln27Arg (NM_001293306.2, NM_001293307.2); short protein forms Q27R.
Identifiers: ClinVar variation 3438081 (VCV003438081.4).